The following is an entry in ClinVar:

NM_002432.3(MNDA):c.1217T>C (p.Val406Ala)

Gene: MNDA (myeloid cell nuclear differentiation antigen; plus strand). Cytogenetic location: 1q23.1.
Variant type: single nucleotide variant.
Coding change: c.1217T>C on transcript NM_002432.3 (MANE Select); coding-DNA position 1217, T replaced by C.
Protein change: p.Val406Ala; replaces valine 406 with alanine.
Molecular consequence: missense variant.
Genome position (GRCh38, 1-based): chr1:158,849,230, T>C. VCF-style: chr1-158849230-T-C. GRCh37 (hg19) VCF-style: chr1-158819020-T-C.
Other names: short protein forms V406A.
Identifiers: ClinVar variation 1752075 (VCV001752075.2), dbSNP rs2526096653, ClinGen allele CA343045944.

ClinVar aggregate classification (germline): Uncertain significance (1 of 4 stars; one submission).

Submission:

Ambry Genetics
Classification: Uncertain significance. Last evaluated: 2022-08-07. Review status: criteria provided, single submitter. Criteria: Ambry Variant Classification Scheme 2023. Collection method: clinical testing. Allele origin: germline.
Comment: The p.V406A variant (also known as c.1217T>C), located in coding exon 6 of the MNDA gene, results from a T to C substitution at nucleotide position 1217. The valine at codon 406 is replaced by alanine, an amino acid with similar properties. This amino acid position is conserved. In addition, this alteration is predicted to be tolerated by in silico analysis. Since supporting evidence is limited at this time, the clinical significance of this alteration remains unclear.